The following is an entry in ClinVar:

NM_001267550.2(TTN):c.39375A>G (p.Pro13125=)

Gene: TTN (titin; minus strand). Cytogenetic location: 2q31.2.
Variant type: single nucleotide variant.
Coding change: c.39375A>G on transcript NM_001267550.2 (MANE Select); coding-DNA position 39375, A replaced by G.
Protein change: p.Pro13125=; no amino-acid change (proline 13125 retained).
Molecular consequence: synonymous variant. On other transcripts: intron variant (3).
Genome position (GRCh38, 1-based): chr2:178,651,888, T>C on the plus strand (A>G on the coding strand, the complement: TTN is on the minus strand). VCF-style: chr2-178651888-T-C. GRCh37 (hg19) VCF-style: chr2-179516615-T-C.
Other names: c.34854A>G, p.Pro11618= (NM_001256850.1); c.32073A>G, p.Pro10691= (NM_133378.4); c.13283-9571A>G (NM_003319.4); c.13859-9571A>G (NM_133437.4); c.13658-9571A>G (NM_133432.3).
Identifiers: ClinVar variation 594750 (VCV000594750.22), dbSNP rs566794300, ClinGen allele CA1996752.

ClinVar aggregate classification (germline): Conflicting classifications of pathogenicity. Review status: criteria provided, conflicting classifications (1 of 4 stars). 3 submissions from 3 submitters: Uncertain significance (1); Likely benign (2). Last evaluated 2026-01-16.

Conditions:
Autosomal recessive limb-girdle muscular dystrophy type 2J (LGMDR10). Also called: MUSCULAR DYSTROPHY, LIMB-GIRDLE, AUTOSOMAL RECESSIVE 10; Limb-girdle muscular dystrophy, type 2J. Identifiers: Orphanet 140922, MedGen C1837342, MONDO:0012127, OMIM 608807.
Dilated cardiomyopathy 1G (CMD1G). Identifiers: Orphanet 154, MedGen C1858763, MONDO:0011400, OMIM 604145.

Allele frequency attached by ClinVar (database versions not stated): gnomAD 0.00001 and 0.00002; gnomAD exomes 0.00001; ExAC 0.00002; TOPMed 0.00002; 1000 Genomes Project 30x 0.00016; 1000 Genomes Project 0.00020.
gnomAD v4.1: 7 of 1,606,814 alleles (0.00044%); highest among the groups gnomAD compares: East Asian, 0.016%; no homozygotes.

Submissions (3):

Labcorp Genetics (formerly Invitae), Labcorp
Classification: Likely benign for Dilated cardiomyopathy 1G; Autosomal recessive limb-girdle muscular dystrophy type 2J. Last evaluated: 2026-01-16. Review status: criteria provided, single submitter. Criteria: Invitae Variant Classification Sherloc (09022015). Collection method: clinical testing. Allele origin: germline.

CeGaT Center for Human Genetics Tuebingen
Classification: Likely benign. Last evaluated: 2025-08-01. Review status: criteria provided, single submitter. Criteria: CeGaT Center For Human Genetics Tuebingen Variant Classification Criteria Version 2. Collection method: clinical testing. Allele origin: germline. Affected: yes. Observed: 1 variant allele.
Comment: TTN: BP4, BP7

Eurofins Ntd Llc (ga)
Classification: Uncertain significance. Last evaluated: 2017-11-07. Review status: criteria provided, single submitter. Criteria: EGL Classification Definitions 2015. Collection method: clinical testing. Allele origin: germline. Observed: 1 variant allele, 1 heterozygote.